The following is an entry in ClinVar:

NM_004415.4(DSP):c.1482C>T (p.Tyr494=)

Gene: DSP (desmoplakin; plus strand). Cytogenetic location: 6p24.3.
Variant type: single nucleotide variant.
Coding change: c.1482C>T on transcript NM_004415.4 (MANE Select); coding-DNA position 1482, C replaced by T.
Protein change: p.Tyr494=; no amino-acid change (tyrosine 494 retained).
Molecular consequence: synonymous variant.
Genome position (GRCh38, 1-based): chr6:7,569,248, C>T. VCF-style: chr6-7569248-C-T. GRCh37 (hg19) VCF-style: chr6-7569481-C-T.
Other names: c.1482C>T (LRG_423t1, NM_004415.3); c.1482C>T, p.Tyr494= (NM_001008844.3, NM_001319034.2).
Identifiers: ClinVar variation 246659 (VCV000246659.24), dbSNP rs772925425, ClinGen allele CA028381.

ClinVar aggregate classification (germline): Likely benign. Review status: criteria provided, multiple submitters, no conflicts (2 of 4 stars). 8 submissions from 8 submitters: Likely benign (8). Last evaluated 2025-12-31.

Conditions:
Cardiovascular phenotype. Identifiers: MedGen CN230736.
Arrhythmogenic right ventricular dysplasia 8 (ARVD8). Also called: Arrhythmogenic Right Ventricular Dysplasia/Cardiomyopathy 8; ARRHYTHMOGENIC RIGHT VENTRICULAR DYSPLASIA, FAMILIAL, 8; ARRHYTHMOGENIC RIGHT VENTRICULAR CARDIOMYOPATHY 8. Identifiers: MedGen C1843896, MONDO:0011831, OMIM 607450.
Arrhythmogenic cardiomyopathy with wooly hair and keratoderma. Also called: Carvajal syndrome; Dilated cardiomyopathy with woolly hair and keratoderma; PALMOPLANTAR KERATODERMA WITH LEFT VENTRICULAR CARDIOMYOPATHY AND WOOLLY HAIR; Arrhythmogenic cardiomyopathy with woolly hair and keratoderma. Identifiers: Orphanet 65282, MedGen C1854063, MONDO:0011581, OMIM 605676.
Cardiomyopathy (CMYO). Also called: Cardiomyopathies. Identifiers: Orphanet 167848, MedGen C0878544, MONDO:0004994, HP:0001638. Inheritance: Various modes of inheritance.

Allele frequency attached by ClinVar (database versions not stated): gnomAD 0.00001 and 0.00003; ExAC 0.00003; gnomAD exomes 0.00004 and 0.00006; TOPMed 0.00004.
gnomAD v4.1: 96 of 1,614,070 alleles (0.0059%); highest among the groups gnomAD compares: South Asian, 0.02%; no homozygotes.

Submissions (8):

Labcorp Genetics (formerly Invitae), Labcorp
Classification: Likely benign for Arrhythmogenic cardiomyopathy with wooly hair and keratoderma; Arrhythmogenic right ventricular dysplasia 8. Last evaluated: 2025-12-31. Review status: criteria provided, single submitter. Criteria: Invitae Variant Classification Sherloc (09022015). Collection method: clinical testing. Allele origin: germline.

Molecular Diagnostic Laboratory for Inherited Cardiovascular Disease, Montreal Heart Institute
Classification: Likely benign. Last evaluated: 2025-02-17. Review status: criteria provided, single submitter. Criteria: ACMG Guidelines, 2015. Collection method: clinical testing. Allele origin: germline. Affected: no.

Blueprint Genetics
Classification: Likely benign. Last evaluated: 2024-09-09. Review status: criteria provided, single submitter. Criteria: ACMG Guidelines, 2015. Collection method: clinical testing. Allele origin: germline.

All of Us Research Program, National Institutes of Health
Classification: Likely benign for Arrhythmogenic cardiomyopathy with wooly hair and keratoderma. Last evaluated: 2023-12-13. Review status: criteria provided, single submitter. Criteria: ACMG Guidelines, 2015. Collection method: clinical testing. Allele origin: germline. Inheritance: Autosomal dominant inheritance. Observed: 23 variant alleles, 23 heterozygotes.
Comment: This study involves interpretation of variants in research participants for the purpose of population health screening. Participant phenotype was not available at the time of variant classification. Additional details can be found in publication PMID: 35346344, PMCID: PMC8962531

Women's Health and Genetics/Laboratory Corporation of America, LabCorp
Classification: Likely benign. Last evaluated: 2023-11-13. Review status: criteria provided, single submitter. Criteria: LabCorp Variant Classification Summary - May 2015. Collection method: clinical testing. Allele origin: germline.

GeneDx
Classification: Likely benign. Last evaluated: 2020-03-05. Review status: criteria provided, single submitter. Criteria: GeneDx Variant Classification Process June 2021. Collection method: clinical testing. Allele origin: germline. Affected: yes.

Color Diagnostics, LLC DBA Color Health
Classification: Likely benign for Cardiomyopathy. Last evaluated: 2018-11-22. Review status: criteria provided, single submitter. Criteria: ACMG Guidelines, 2015. Collection method: clinical testing. Allele origin: germline.

Ambry Genetics
Classification: Likely benign for Cardiovascular phenotype. Last evaluated: 2015-09-10. Review status: criteria provided, single submitter. Criteria: Ambry Variant Classification Scheme 2023. Collection method: clinical testing. Allele origin: germline.